The following is an entry in ClinVar:

NM_014989.7(RIMS1):c.2873G>A (p.Arg958His)

Gene: RIMS1 (regulating synaptic membrane exocytosis 1; plus strand). Cytogenetic location: 6q13.
Variant type: single nucleotide variant.
Coding change: c.2873G>A on transcript NM_014989.7 (MANE Select); coding-DNA position 2873, G replaced by A.
Protein change: p.Arg958His; replaces arginine 958 with histidine.
Molecular consequence: missense variant.
Genome position (GRCh38, 1-based): chr6:72,258,227, G>A. VCF-style: chr6-72258227-G-A. GRCh37 (hg19) VCF-style: chr6-72967930-G-A.
Other names: c.1292G>A, p.Arg431His (NM_001168407.2, NM_001350415.2, NM_001350418.2 and 19 more transcripts); c.1295G>A, p.Arg432His (NM_001168408.2, NM_001350414.2, NM_001350416.2 and 15 more transcripts); c.1052G>A, p.Arg351His (NM_001168409.2, NM_001350464.2, NM_001350465.2 and 3 more transcripts); c.1250G>A, p.Arg417His (NM_001168410.2, NM_001350470.2, NM_001350473.2 and 1 more transcripts); c.1223G>A, p.Arg408His (NM_001350421.2, NM_001350430.2, NM_001350437.2 and 2 more transcripts); c.1226G>A, p.Arg409His (NM_001350424.2, NM_001350428.2, NM_001350459.2 and 1 more transcripts); c.1049G>A, p.Arg350His (NM_001350461.2, NM_001350463.2, NM_001350468.2); c.1247G>A, p.Arg416His (NM_001350472.2); short protein forms R408H, R409H, R432H, R431H, R350H, R351H, R416H, R417H.
Identifiers: ClinVar variation 1513271 (VCV001513271.8), dbSNP rs373238402, ClinGen allele CA3886054.

ClinVar aggregate classification (germline): Uncertain significance (1 of 4 stars; one submission).

Allele frequency attached by ClinVar (database versions not stated): TOPMed below 0.00001; gnomAD 0.00001; gnomAD exomes 0.00001 and 0.00002; ExAC 0.00003; ESP Exome Variant Server 0.00008.
gnomAD v4.1: 13 of 1,613,246 alleles (0.00081%); highest among the groups gnomAD compares: South Asian, 0.0066%; no homozygotes.

Submission:

Labcorp Genetics (formerly Invitae), Labcorp
Classification: Uncertain significance. Last evaluated: 2025-08-23. Review status: criteria provided, single submitter. Criteria: Invitae Variant Classification Sherloc (09022015). Collection method: clinical testing. Allele origin: germline.
Comment: This sequence change replaces arginine, which is basic and polar, with histidine, which is basic and polar, at codon 958 of the RIMS1 protein (p.Arg958His). This variant is present in population databases (rs373238402, gnomAD 0.008%). This variant has not been reported in the literature in individuals affected with RIMS1-related conditions. ClinVar contains an entry for this variant (Variation ID: 1513271). An algorithm developed to predict the effect of missense changes on protein structure and function (PolyPhen-2) suggests that this variant is likely to be disruptive. In summary, the available evidence is currently insufficient to determine the role of this variant in disease. Therefore, it has been classified as a Variant of Uncertain Significance.